The following is an entry in ClinVar:

NM_018100.4(EFHC1):c.666_674delinsAAG (p.Tyr223_Thr225delinsSer)

Gene: EFHC1 (EF-hand domain containing 1; plus strand). Cytogenetic location: 6p12.2.
Variant type: Indel.
Coding change: c.666_674delinsAAG on transcript NM_018100.4 (MANE Select); coding-DNA positions 666 to 674, GTATGTCAC replaced by AAG.
Protein change: p.Tyr223_Thr225delinsSer.
Molecular consequence: inframe indel. On other transcripts: non-coding transcript variant (1).
Genome position (GRCh38, 1-based): chr6:52,452,780-52,452,788, GTATGTCAC replaced by AAG. VCF-style: chr6-52452780-GTATGTCAC-AAG. GRCh37 (hg19) VCF-style: chr6-52317578-GTATGTCAC-AAG.
Other names: c.609_617delinsAAG, p.Tyr204_Thr206delinsSer (NM_001172420.2).
Identifiers: ClinVar variation 534109 (VCV000534109.3), dbSNP rs1554259746, ClinGen allele CA658796777.
Genomic context (GRCh38, chr6:52,452,780, plus strand): 5'-TCCACCAGAGAAGATGGCTCTTGATCCTTACACTGAACTCCGAAAACAGCCTCTTCGTAA[GTATGTCAC>AAG]CCCATCAGACTTTGATCAACTCAAGCAATTTCTCACCTTTGACAAACAGGTAAGTGACAT-3'

ClinVar aggregate classification (germline): Uncertain significance (1 of 4 stars; one submission).

Conditions:
Typical absence seizure. Identifiers: MedGen C5551411, HP:0011147.
Myoclonic epilepsy, juvenile, susceptibility to, 1. Also called: Myoclonic Epilepsy, Juvenile, 1; EJM1. Identifiers: MedGen C1850778, MONDO:0020752, OMIM 254770.

Submission:

Labcorp Genetics (formerly Invitae), Labcorp
Classification: Uncertain significance for Myoclonic epilepsy, juvenile, susceptibility to, 1; Absence seizure. Last evaluated: 2022-10-28. Review status: criteria provided, single submitter. Criteria: Invitae Variant Classification Sherloc (09022015). Collection method: clinical testing. Allele origin: germline.
Comment: This variant, c.666_674delinsAAG, is a complex sequence change that results in the deletion of 3 and insertion of 1 amino acid(s) in the EFHC1 protein (p.Tyr223_Thr225delinsSer). This variant is present in population databases (rs267601073, gnomAD 0.0009%). This variant has not been reported in the literature in individuals affected with EFHC1-related conditions. ClinVar contains an entry for this variant (Variation ID: 1039609). Advanced modeling of protein sequence and biophysical properties (such as structural, functional, and spatial information, amino acid conservation, physicochemical variation, residue mobility, and thermodynamic stability) performed at Invitae indicates that this missense variant is not expected to disrupt EFHC1 protein function. In summary, the available evidence is currently insufficient to determine the role of this variant in disease. Therefore, it has been classified as a Variant of Uncertain Significance.